The following is an entry in ClinVar:

NM_033305.3(VPS13A):c.5790A>C (p.Ala1930=)

Gene: VPS13A (vacuolar protein sorting 13 homolog A; plus strand). Cytogenetic location: 9q21.2.
Variant type: single nucleotide variant.
Coding change: c.5790A>C on transcript NM_033305.3 (MANE Select); coding-DNA position 5790, A replaced by C.
Protein change: p.Ala1930=; no amino-acid change (alanine 1930 retained).
Molecular consequence: synonymous variant.
Genome position (GRCh38, 1-based): chr9:77,321,706, A>C. VCF-style: chr9-77321706-A-C. GRCh37 (hg19) VCF-style: chr9-79936622-A-C.
Other names: p.Ala1930=; c.5673A>C, p.Ala1891= (NM_001018037.2); c.5790A>C, p.Ala1930= (NM_001018038.3, NM_015186.4).
Identifiers: ClinVar variation 1158354 (VCV001158354.35), dbSNP rs148449443, ClinGen allele CA194399516.
Genomic context (GRCh38, chr9:77,321,706, plus strand): 5'-AAATGGAGAAAGTTTAAGTATGGATTATATCCGAACCAAGGACAATGATCATTTCAATGC[A>C]ATGACCAGCCTAAGCAGCAAACTCTTCTTCATTCTTCTTAGTAAGTAGTTGAAAAATTAC-3'
Protein context (NP_150648.2, residues 1920-1940): IRTKDNDHFN[Ala1930=]MTSLSSKLFF

ClinVar aggregate classification (germline): Likely benign. Review status: criteria provided, multiple submitters, no conflicts (2 of 4 stars). 3 submissions from 3 submitters: Likely benign (3). Last evaluated 2025-01-27.

Allele frequency attached by ClinVar (database versions not stated): gnomAD exomes below 0.00001; gnomAD 0.00001; TOPMed 0.00001; ESP Exome Variant Server 0.00008.
gnomAD v4.1: 3 of 1,613,176 alleles (0.00019%); highest among the groups gnomAD compares: Non-Finnish European, 0.00025%; no homozygotes.

Submissions (3):

Mayo Clinic Laboratories, Mayo Clinic
Classification: Likely benign. Last evaluated: 2025-01-27. Review status: criteria provided, single submitter. Criteria: ACMG Guidelines, 2015. Collection method: clinical testing. Allele origin: germline. Observed: 1 variant allele.
Comment: BP4, BP7

Labcorp Genetics (formerly Invitae), Labcorp
Classification: Likely benign. Last evaluated: 2023-09-27. Review status: criteria provided, single submitter. Criteria: Invitae Variant Classification Sherloc (09022015). Collection method: clinical testing. Allele origin: germline.

CeGaT Center for Human Genetics Tuebingen
Classification: Likely benign. Last evaluated: 2022-08-01. Review status: criteria provided, single submitter. Criteria: CeGaT Center For Human Genetics Tuebingen Variant Classification Criteria Version 2. Collection method: clinical testing. Allele origin: germline. Affected: yes. Observed: 1 variant allele.
Comment: VPS13A: BP4, BP7